The following is an entry in ClinVar:

NM_006846.4(SPINK5):c.2743G>A (p.Glu915Lys)

Gene: SPINK5 (serine peptidase inhibitor Kazal type 5; plus strand). Cytogenetic location: 5q32.
Variant type: single nucleotide variant.
Coding change: c.2743G>A on transcript NM_006846.4 (MANE Select); coding-DNA position 2743, G replaced by A.
Protein change: p.Glu915Lys; replaces glutamic acid 915 with lysine.
Molecular consequence: missense variant.
Genome position (GRCh38, 1-based): chr5:148,125,726, G>A. VCF-style: chr5-148125726-G-A. GRCh37 (hg19) VCF-style: chr5-147505289-G-A.
Other names: c.2833G>A, p.Glu945Lys (NM_001127698.2); short protein forms E915K, E945K.
Identifiers: ClinVar variation 3652449 (VCV003652449.2).

ClinVar aggregate classification (germline): Uncertain significance (1 of 4 stars; one submission).

Conditions:
Ichthyosis linearis circumflexa. Identifiers: MedGen C0265962, MONDO:0043106, HP:0025810.

gnomAD v4.1: 1 of 1,614,186 alleles (0.000062%); highest among the groups gnomAD compares: Non-Finnish European, 0.000085%; no homozygotes.

Submission:

Labcorp Genetics (formerly Invitae), Labcorp
Classification: Uncertain significance for Ichthyosis linearis circumflexa. Last evaluated: 2024-05-06. Review status: criteria provided, single submitter. Criteria: Invitae Variant Classification Sherloc (09022015). Collection method: clinical testing. Allele origin: germline.
Comment: This sequence change replaces glutamic acid, which is acidic and polar, with lysine, which is basic and polar, at codon 915 of the SPINK5 protein (p.Glu915Lys). This variant is not present in population databases (gnomAD no frequency). This variant has not been reported in the literature in individuals affected with SPINK5-related conditions. Advanced modeling of protein sequence and biophysical properties (such as structural, functional, and spatial information, amino acid conservation, physicochemical variation, residue mobility, and thermodynamic stability) performed at Invitae indicates that this missense variant is not expected to disrupt SPINK5 protein function with a negative predictive value of 80%. In summary, the available evidence is currently insufficient to determine the role of this variant in disease. Therefore, it has been classified as a Variant of Uncertain Significance.